The following is an entry in ClinVar:

ClinVar aggregate classification (germline): Uncertain significance (1 of 4 stars; one submission).

gnomAD v4.1: 4 of 1,613,886 alleles (0.00025%); highest among the groups gnomAD compares: African/African-American, 0.0027%; no homozygotes.

Submission:

CeGaT Center for Human Genetics Tuebingen
Classification: Uncertain significance. Last evaluated: 2023-03-01. Review status: criteria provided, single submitter. Criteria: CeGaT Center For Human Genetics Tuebingen Variant Classification Criteria Version 2. Collection method: clinical testing. Allele origin: germline. Affected: yes. Observed: 1 variant allele.
Comment: NSMCE3: PM2, BP4

NM_138704.4(NSMCE3):c.623A>G (p.Tyr208Cys)

Genes: ENTREP2 (endosomal transmembrane epsin interactor 2; minus strand), NSMCE3 (NSE3 component of SMC5/6 complex; minus strand). Cytogenetic location: 15q13.1.
Variant type: single nucleotide variant.
Coding change: c.623A>G on transcript NM_138704.4 (MANE Select); coding-DNA position 623, A replaced by G.
Protein change: p.Tyr208Cys; replaces tyrosine 208 with cysteine.
Molecular consequence: missense variant. On other transcripts: intron variant (5).
Genome position (GRCh38, 1-based): chr15:29,269,083, T>C on the plus strand (A>G on the coding strand, the complement: NSMCE3 is on the minus strand). VCF-style: chr15-29269083-T-C. GRCh37 (hg19) VCF-style: chr15-29561287-T-C.
Other names: c.-12-16605A>G (NM_001387217.1, NM_001387215.1, NM_001387216.1); c.277-16605A>G (NM_001387214.1, NM_015307.2); short protein forms Y208C.
Identifiers: ClinVar variation 2645096 (VCV002645096.24), dbSNP rs377721555, ClinGen allele CA7446084.
Genomic context (GRCh38, chr15:29,269,083, plus strand): 5'-ACAAAGTCCTCAGTAATGAGTTTCTTTGGATCTCCGAAAATTAAATGCTTCTTGGTGGGG[T>C]AGACCCCTAAGCGCCGCAGAAAGTCCCAGGCTTCAGTTTCCTTGATGGTGTTGCCCTTCA-3'
Protein context (NP_619649.1, residues 198-218): AWDFLRRLGV[Tyr208Cys]PTKKHLIFGD